The following is an entry in ClinVar:

NM_017763.6(RNF43):c.1476C>G (p.Gly492=)

Gene: RNF43 (ring finger protein 43; minus strand). Cytogenetic location: 17q22.
Variant type: single nucleotide variant.
Coding change: c.1476C>G on transcript NM_017763.6 (MANE Select); coding-DNA position 1476, C replaced by G.
Protein change: p.Gly492=; no amino-acid change (glycine 492 retained).
Molecular consequence: synonymous variant.
Genome position (GRCh38, 1-based): chr17:58,358,300, G>C on the plus strand (C>G on the coding strand, the complement: RNF43 is on the minus strand). VCF-style: chr17-58358300-G-C. GRCh37 (hg19) VCF-style: chr17-56435661-G-C.
Other names: c.1476C>G, p.Gly492= (NM_001305544.3); c.1095C>G, p.Gly365= (NM_001305545.2).
Identifiers: ClinVar variation 3946920 (VCV003946920.3).

ClinVar aggregate classification (germline): Benign/Likely benign. Review status: criteria provided, multiple submitters, no conflicts (2 of 4 stars). 3 submissions from 3 submitters: Benign (1); Likely benign (2). Last evaluated 2026-07-01.

Conditions:
Sessile serrated polyposis cancer syndrome (SSPCS). Identifiers: Orphanet 157798, MedGen C4310714, MONDO:0014919, OMIM 617108.

Submissions (3):

Myriad Genetics, Inc.
Classification: Benign for Sessile serrated polyposis cancer syndrome. Last evaluated: 2026-07-01. Review status: criteria provided, single submitter. Criteria: Myriad Autosomal Dominant, Autosomal Recessive and X-Linked Classification Criteria (2023). Collection method: clinical testing. Allele origin: unknown.
Comment: This variant is considered benign. This variant is a silent/synonymous amino acid change and it is not expected to impact splicing.

Center for Genomic Medicine, Rigshospitalet, Copenhagen University Hospital
Classification: Likely benign. Last evaluated: 2025-12-29. Review status: criteria provided, single submitter. Criteria: ACMG Guidelines, 2015. Collection method: clinical testing. Allele origin: germline.

Ambry Genetics
Classification: Likely benign. Last evaluated: 2025-05-31. Review status: criteria provided, single submitter. Criteria: Ambry Variant Classification Scheme 2023. Collection method: clinical testing. Allele origin: germline.